The following is an entry in ClinVar:

NM_000553.6(WRN):c.3850C>T (p.Leu1284Phe)

Gene: WRN (WRN RecQ like helicase; plus strand). Cytogenetic location: 8p12.
Variant type: single nucleotide variant.
Coding change: c.3850C>T on transcript NM_000553.6 (MANE Select); coding-DNA position 3850, C replaced by T.
Protein change: p.Leu1284Phe; replaces leucine 1284 with phenylalanine.
Molecular consequence: missense variant.
Genome position (GRCh38, 1-based): chr8:31,157,398, C>T. VCF-style: chr8-31157398-C-T. GRCh37 (hg19) VCF-style: chr8-31014914-C-T.
Other names: short protein forms L1284F.
Identifiers: ClinVar variation 572355 (VCV000572355.7), dbSNP rs368876038, ClinGen allele CA174913797.

ClinVar aggregate classification (germline): Uncertain significance (1 of 4 stars; one submission).

Conditions:
Werner syndrome (WRN). Identifiers: Orphanet 902, MedGen C0043119, MONDO:0010196, OMIM 277700.

Allele frequency attached by ClinVar (database versions not stated): TOPMed 0.00002; gnomAD 0.00003; ESP Exome Variant Server 0.00008.
gnomAD v4.1: 13 of 1,614,068 alleles (0.00081%); highest among the groups gnomAD compares: Non-Finnish European, 0.00093%; no homozygotes.

Submission:

Labcorp Genetics (formerly Invitae), Labcorp
Classification: Uncertain significance for Werner syndrome. Last evaluated: 2023-08-24. Review status: criteria provided, single submitter. Criteria: Invitae Variant Classification Sherloc (09022015). Collection method: clinical testing. Allele origin: germline.
Comment: In summary, the available evidence is currently insufficient to determine the role of this variant in disease. Therefore, it has been classified as a Variant of Uncertain Significance. An algorithm developed to predict the effect of missense changes on protein structure and function (PolyPhen-2) suggests that this variant is likely to be disruptive. ClinVar contains an entry for this variant (Variation ID: 572355). This variant has not been reported in the literature in individuals affected with WRN-related conditions. This variant is present in population databases (rs368876038, gnomAD 0.007%). This sequence change replaces leucine, which is neutral and non-polar, with phenylalanine, which is neutral and non-polar, at codon 1284 of the WRN protein (p.Leu1284Phe).